The following is an entry in ClinVar:

NM_000478.6(ALPL):c.26C>T (p.Ala9Val)

Gene: ALPL (alkaline phosphatase, biomineralization associated; plus strand). Cytogenetic location: 1p36.12.
Variant type: single nucleotide variant.
Coding change: c.26C>T on transcript NM_000478.6 (MANE Select); coding-DNA position 26, C replaced by T.
Protein change: p.Ala9Val; replaces alanine 9 with valine.
Molecular consequence: missense variant. On other transcripts: intron variant (2).
Genome position (GRCh38, 1-based): chr1:21,554,107, C>T. VCF-style: chr1-21554107-C-T. GRCh37 (hg19) VCF-style: chr1-21880600-C-T.
Other names: c.26C>T, p.Ala9Val (NM_001369803.2, NM_001369804.2, NM_001369805.2); c.-104-6519C>T (NM_001127501.4); c.-54-6519C>T (NM_001177520.3); short protein forms A9V.
Identifiers: ClinVar variation 876665 (VCV000876665.9), dbSNP rs772679576, ClinGen allele CA666360.

ClinVar aggregate classification (germline): Uncertain significance. Review status: criteria provided, multiple submitters, no conflicts (2 of 4 stars). 5 submissions from 5 submitters: Uncertain significance (5). Last evaluated 2025-10-06.

Conditions:
Childhood hypophosphatasia. Identifiers: Orphanet 247667, Orphanet 436, MedGen C0220743, MONDO:1010168, OMIM 241510, MONDO:0009428.
Infantile hypophosphatasia. Identifiers: Orphanet 247651, Orphanet 436, MedGen C0268412, MONDO:1010169, OMIM 241500, MONDO:0009427.
Adult hypophosphatasia. Identifiers: Orphanet 247676, Orphanet 436, MedGen C0268413, MONDO:1010154, OMIM 146300, MONDO:0007798.
Hypophosphatasia. Also called: Phosphoethanol-aminuria. Identifiers: Orphanet 436, MedGen C0020630, MeSH D007014, MONDO:0018570.
Inborn genetic diseases. Identifiers: MedGen C0950123, MeSH D030342.

Allele frequency attached by ClinVar (database versions not stated): gnomAD exomes below 0.00001 and 0.00003; ExAC 0.00001; gnomAD 0.00002; TOPMed 0.00002.
gnomAD v4.1: 52 of 1,592,572 alleles (0.0033%); highest among the groups gnomAD compares: Non-Finnish European, 0.0042%; no homozygotes.

Submissions (5):

Myriad Genetics, Inc.
Classification: Uncertain significance for Hypophosphatasia. Last evaluated: 2025-10-06. Review status: criteria provided, single submitter. Criteria: Myriad Autosomal Dominant, Autosomal Recessive and X-Linked Classification Criteria (2023). Collection method: clinical testing. Allele origin: unknown.
Comment: NM_000478.4(ALPL):c.26C>T(A9V) is a missense variant classified as a variant of uncertain significance in the context of hypophosphatasia. A9V has been observed in a case with relevant disease (PMID: 39983296). Relevant functional assessments of this variant are not available in the literature. A9V has been observed in referenced population frequency databases. In summary, there is insufficient evidence to classify NM_000478.4(ALPL):c.26C>T(A9V) as pathogenic or benign. Please note: this variant was assessed in the context of healthy population screening.

Labcorp Genetics (formerly Invitae), Labcorp
Classification: Uncertain significance. Last evaluated: 2024-07-04. Review status: criteria provided, single submitter. Criteria: Invitae Variant Classification Sherloc (09022015). Collection method: clinical testing. Allele origin: germline.
Comment: This sequence change replaces alanine, which is neutral and non-polar, with valine, which is neutral and non-polar, at codon 9 of the ALPL protein (p.Ala9Val). This variant is present in population databases (rs772679576, gnomAD 0.0009%). This variant has not been reported in the literature in individuals affected with ALPL-related conditions. ClinVar contains an entry for this variant (Variation ID: 876665). Advanced modeling of protein sequence and biophysical properties (such as structural, functional, and spatial information, amino acid conservation, physicochemical variation, residue mobility, and thermodynamic stability) has been performed at Invitae for this missense variant, however the output from this modeling did not meet the statistical confidence thresholds required to predict the impact of this variant on ALPL protein function. In summary, the available evidence is currently insufficient to determine the role of this variant in disease. Therefore, it has been classified as a Variant of Uncertain Significance.

Ambry Genetics
Classification: Uncertain significance for Inborn genetic diseases. Last evaluated: 2022-06-21. Review status: criteria provided, single submitter. Criteria: Ambry Variant Classification Scheme 2023. Collection method: clinical testing. Allele origin: germline.

Fulgent Genetics
Classification: Uncertain significance for Adult hypophosphatasia; Infantile hypophosphatasia; Childhood hypophosphatasia. Last evaluated: 2022-01-28. Review status: criteria provided, single submitter. Criteria: ACMG Guidelines, 2015. Collection method: clinical testing. Allele origin: unknown.

Illumina Laboratory Services, Illumina
Classification: Uncertain significance for Hypophosphatasia. Last evaluated: 2018-01-13. Review status: criteria provided, single submitter. Criteria: ICSL Variant Classification Criteria 13 December 2019. Collection method: clinical testing. Allele origin: germline.

Literature cited by the submitters: PubMed 39983296 (cited by Myriad Genetics, Inc.).